The following is an entry in ClinVar:

NM_139276.3(STAT3):c.1552C>T (p.Arg518Ter)

Gene: STAT3 (signal transducer and activator of transcription 3; minus strand). Cytogenetic location: 17q21.2.
Variant type: single nucleotide variant.
Coding change: c.1552C>T on transcript NM_139276.3 (MANE Select); coding-DNA position 1552, C replaced by T.
Protein change: p.Arg518Ter; replaces arginine 518 with a stop codon.
Molecular consequence: nonsense.
Genome position (GRCh38, 1-based): chr17:42,324,759, G>A on the plus strand (C>T on the coding strand, the complement: STAT3 is on the minus strand). VCF-style: chr17-42324759-G-A. GRCh37 (hg19) VCF-style: chr17-40476777-G-A.
Other names: c.1552C>T, p.Arg518Ter (NM_001369519.1, NM_001369520.1, NM_001384988.1 and 10 more transcripts); c.1468C>T, p.Arg490Ter (NM_001384984.1); c.1474C>T, p.Arg492Ter (NM_001384985.1); c.1567C>T, p.Arg523Ter (NM_001384986.1, NM_001384990.1); c.1531C>T, p.Arg511Ter (NM_001384987.1); c.1456C>T, p.Arg486Ter (NM_001384989.1); c.1492C>T, p.Arg498Ter (NM_001384992.1); short protein forms R486*, R490*, R492*, R498*, R511*, R518*, R523*.
Identifiers: ClinVar variation 3234995 (VCV003234995.1), dbSNP rs2144715315, ClinGen allele CA399586202.

ClinVar aggregate classification (germline): Likely pathogenic (1 of 4 stars; one submission).

Conditions:
Hyper-IgE recurrent infection syndrome 1, autosomal dominant. Also called: HYPER-IgE SYNDROME 1, AUTOSOMAL DOMINANT, WITH RECURRENT INFECTIONS; JOB SYNDROME; Job's Syndrome; STAT3 Hyper IgE Syndrome; Hyper-IgE recurrent infection syndrome 1. Identifiers: Orphanet 2314, MedGen C2936739, MONDO:0007818, OMIM 147060.

Submission:

Neuberg Centre For Genomic Medicine, NCGM
Classification: Likely pathogenic for Hyper-IgE recurrent infection syndrome 1, autosomal dominant. Review status: criteria provided, single submitter. Criteria: ACMG Guidelines, 2015. Collection method: clinical testing. Allele origin: germline. Inheritance: Autosomal dominant inheritance. Affected: yes.
Comment: The stop gained variant c.1552C>T p.Arg518Ter in STAT3 gene has been reported previously in heterozygous state in individuals with hyper-IgE syndrome Asano T, et al., 2021, Saikia B, et al., 2021, Zhao R, et al., 2021. The c.1552C>T variant encodes a R518Tfs*14 due to the creation of a new splice donor site Asano T, et al., 2021.The variant is novel not in any individuals in gnomAD Exomes and in 1000 Genomes. The variant is predicted to be Likely Damaging by SpliceAI prediction. Dominant negative mutation is the main mode of disease mechanism. Though loss of function variants have been submitted in ClinVar there is not sufficient literature evidence for the same. For these reasons, this variant has been classified as Likely Pathogenic.